The following is an entry in ClinVar:

NM_005901.6(SMAD2):c.233C>A (p.Pro78Gln)

Gene: SMAD2 (SMAD family member 2; minus strand). Cytogenetic location: 18q21.1.
Variant type: single nucleotide variant.
Coding change: c.233C>A on transcript NM_005901.6 (MANE Select); coding-DNA position 233, C replaced by A.
Protein change: p.Pro78Gln; replaces proline 78 with glutamine.
Molecular consequence: missense variant.
Genome position (GRCh38, 1-based): chr18:47,896,524, G>T on the plus strand (C>A on the coding strand, the complement: SMAD2 is on the minus strand). VCF-style: chr18-47896524-G-T. GRCh37 (hg19) VCF-style: chr18-45422895-G-T.
Other names: c.233C>A, p.Pro78Gln (NM_001003652.4, NM_001135937.3); short protein forms P78Q.
Identifiers: ClinVar variation 2018666 (VCV002018666.4), dbSNP rs761359766, ClinGen allele CA8956334.

ClinVar aggregate classification (germline): Uncertain significance (1 of 4 stars; one submission).

Allele frequency attached by ClinVar (database versions not stated): ExAC 0.00001.
gnomAD v4.1: 12 of 1,613,704 alleles (0.00074%); highest among the groups gnomAD compares: Non-Finnish European, 0.001%; no homozygotes.

Submission:

Labcorp Genetics (formerly Invitae), Labcorp
Classification: Uncertain significance. Last evaluated: 2023-04-03. Review status: criteria provided, single submitter. Criteria: Invitae Variant Classification Sherloc (09022015). Collection method: clinical testing. Allele origin: germline.
Comment: This sequence change replaces proline, which is neutral and non-polar, with glutamine, which is neutral and polar, at codon 78 of the SMAD2 protein (p.Pro78Gln). This variant is present in population databases (rs761359766, gnomAD 0.0009%). This variant has not been reported in the literature in individuals affected with SMAD2-related conditions. ClinVar contains an entry for this variant (Variation ID: 2018666). Advanced modeling of protein sequence and biophysical properties (such as structural, functional, and spatial information, amino acid conservation, physicochemical variation, residue mobility, and thermodynamic stability) performed at Invitae indicates that this missense variant is not expected to disrupt SMAD2 protein function. In summary, the available evidence is currently insufficient to determine the role of this variant in disease. Therefore, it has been classified as a Variant of Uncertain Significance.